The following is an entry in ClinVar:

ClinVar aggregate classification (germline): Benign/Likely benign. Review status: criteria provided, multiple submitters, no conflicts (2 of 4 stars). 5 submissions from 5 submitters: Benign (2); Likely benign (3). Last evaluated 2025-11-19.

Conditions:
Hereditary cancer-predisposing syndrome. Also called: Neoplastic Syndromes, Hereditary; Tumor predisposition; Hereditary Cancer Syndrome; Hereditary neoplastic syndrome. Identifiers: Orphanet 140162, MedGen C0027672, MeSH D009386, MONDO:0015356.
Tuberous sclerosis 1 (TSC1). Identifiers: Orphanet 805, MedGen C1854465, MONDO:0008612, OMIM 191100.

Allele frequency attached by ClinVar (database versions not stated): TOPMed below 0.00001; gnomAD 0.00002.
gnomAD v4.1: 8 of 1,614,092 alleles (0.0005%); highest among the groups gnomAD compares: African/African-American, 0.0093%; no homozygotes.

Submissions (5):

Labcorp Genetics (formerly Invitae), Labcorp
Classification: Likely benign for Tuberous sclerosis 1. Last evaluated: 2025-11-19. Review status: criteria provided, single submitter. Criteria: Invitae Variant Classification Sherloc (09022015). Collection method: clinical testing. Allele origin: germline.

Myriad Genetics, Inc.
Classification: Benign for Tuberous sclerosis 1. Last evaluated: 2025-04-30. Review status: criteria provided, single submitter. Criteria: Myriad Autosomal Dominant, Autosomal Recessive and X-Linked Classification Criteria (2023). Collection method: clinical testing. Allele origin: unknown.
Comment: This variant is considered benign. This variant is a silent/synonymous amino acid change and it is not expected to impact splicing.

Ambry Genetics
Classification: Likely benign for Hereditary cancer-predisposing syndrome. Last evaluated: 2022-05-24. Review status: criteria provided, single submitter. Criteria: Ambry Variant Classification Scheme 2023. Collection method: clinical testing. Allele origin: germline.

Genome-Nilou Lab
Classification: Benign for Tuberous sclerosis 1. Last evaluated: 2021-11-07. Review status: criteria provided, single submitter. Criteria: ACMG Guidelines, 2015. Collection method: clinical testing. Allele origin: germline. Affected: no.

GeneDx
Classification: Likely benign. Last evaluated: 2020-10-08. Review status: criteria provided, single submitter. Criteria: GeneDx Variant Classification Process June 2021. Collection method: clinical testing. Allele origin: germline. Affected: yes.

NM_000368.5(TSC1):c.3397C>T (p.Leu1133=)

Gene: TSC1 (TSC complex subunit 1; minus strand). Cytogenetic location: 9q34.13.
Variant type: single nucleotide variant.
Coding change: c.3397C>T on transcript NM_000368.5 (MANE Select); coding-DNA position 3397, C replaced by T.
Protein change: p.Leu1133=; no amino-acid change (leucine 1133 retained).
Molecular consequence: synonymous variant.
Genome position (GRCh38, 1-based): chr9:132,896,333, G>A on the plus strand (C>T on the coding strand, the complement: TSC1 is on the minus strand). VCF-style: chr9-132896333-G-A. GRCh37 (hg19) VCF-style: chr9-135771720-G-A.
Other names: c.3394C>T, p.Leu1132= (NM_001162426.2); c.3244C>T, p.Leu1082= (NM_001162427.2); c.3034C>T, p.Leu1012= (NM_001362177.2).
Identifiers: ClinVar variation 515926 (VCV000515926.18), dbSNP rs1244090738, ClinGen allele CA467812927.